The following is an entry in ClinVar:

ClinVar aggregate classification (germline): Conflicting classifications of pathogenicity. Review status: criteria provided, conflicting classifications (1 of 4 stars). 3 submissions from 3 submitters: Uncertain significance (1); Likely benign (2). Last evaluated 2026-01-18.

Conditions:
Hypertrophic cardiomyopathy. Also called: HYPERTROPHIC MYOCARDIOPATHY. Identifiers: Orphanet 217569, MedGen C0007194, MeSH D002312, MONDO:0005045, HP:0001639.

Allele frequency attached by ClinVar (database versions not stated): ESP Exome Variant Server 0.00008; TOPMed 0.00008; 1000 Genomes Project 0.00020; 1000 Genomes Project 30x 0.00031; gnomAD 0.00002.
gnomAD v4.1: 82 of 1,596,928 alleles (0.0051%); highest among the groups gnomAD compares: Middle Eastern, 0.35%; no homozygotes.

Submissions (3):

Labcorp Genetics (formerly Invitae), Labcorp
Classification: Uncertain significance for Hypertrophic cardiomyopathy. Last evaluated: 2026-01-18. Review status: criteria provided, single submitter. Criteria: Invitae Variant Classification Sherloc (09022015). Collection method: clinical testing. Allele origin: germline.
Comment: This sequence change replaces arginine, which is basic and polar, with glutamine, which is neutral and polar, at codon 1103 of the MYOM1 protein (p.Arg1103Gln). This variant is present in population databases (rs186972208, gnomAD 0.006%). This variant has not been reported in the literature in individuals affected with MYOM1-related conditions. ClinVar contains an entry for this variant (Variation ID: 227700). Invitae Evidence Modeling of protein sequence and biophysical properties (such as structural, functional, and spatial information, amino acid conservation, physicochemical variation, residue mobility, and thermodynamic stability) indicates that this missense variant is not expected to disrupt MYOM1 protein function with a negative predictive value of 80%. In summary, the available evidence is currently insufficient to determine the role of this variant in disease. Therefore, it has been classified as a Variant of Uncertain Significance.

Ambry Genetics
Classification: Likely benign. Last evaluated: 2025-01-19. Review status: criteria provided, single submitter. Criteria: Ambry Variant Classification Scheme 2023. Collection method: clinical testing. Allele origin: germline.

Laboratory for Molecular Medicine, Mass General Brigham Personalized Medicine
Classification: Likely benign. Last evaluated: 2015-05-16. Review status: criteria provided, single submitter. Criteria: LMM Criteria. Collection method: clinical testing. Allele origin: germline. Observed: 2 variant alleles.
Comment: p.Arg1103Gln in exon 22 of MYOM1: This variant is not expected to have clinical significance due to a lack of conservation across species, including mammals. Of note, >40 mammals have a glutamine (Gln) at this position despite high nearby a mino acid conservation. This variant has been identified in 4/64998 European chr omosomes by the Exome Aggregation Consortium (ExAC, rg; dbSNP rs186972208).

NM_003803.4(MYOM1):c.3308G>A (p.Arg1103Gln)

Gene: MYOM1 (myomesin 1; minus strand). Cytogenetic location: 18p11.31.
Variant type: single nucleotide variant.
Coding change: c.3308G>A on transcript NM_003803.4 (MANE Select); coding-DNA position 3308, G replaced by A.
Protein change: p.Arg1103Gln; replaces arginine 1103 with glutamine.
Molecular consequence: missense variant.
Genome position (GRCh38, 1-based): chr18:3,112,408, C>T on the plus strand (G>A on the coding strand, the complement: MYOM1 is on the minus strand). VCF-style: chr18-3112408-C-T. GRCh37 (hg19) VCF-style: chr18-3112406-C-T.
Other names: c.3020G>A, p.Arg1007Gln (NM_019856.2); short protein forms R1103Q, R1007Q.
Identifiers: ClinVar variation 227700 (VCV000227700.15), dbSNP rs186972208, ClinGen allele CA8874340.